The following is an entry in ClinVar:

ClinVar aggregate classification (germline): Uncertain significance. Review status: criteria provided, single submitter (1 of 4 stars). 2 submissions from 2 submitters: Uncertain significance (1). 1 of the submissions does not count toward it. Last evaluated 2025-12-21.

Conditions:
Cognitive impairment - coarse facies - heart defects - obesity - pulmonary involvement - short stature - skeletal dysplasia syndrome. Also called: AFF4-Related CHOPS Syndrome; COGNITIVE IMPAIRMENT, COARSE FACIES, HEART DEFECTS, OBESITY, PULMONARY INVOLVEMENT, SHORT STATURE, AND SKELETAL DYSPLASIA; Chops syndrome. Identifiers: Orphanet 444077, MedGen C4085597, MONDO:0014609, OMIM 616368.
AFF4-related disorder. Also called: AFF4-related condition.

Allele frequency attached by ClinVar (database versions not stated): TOPMed 0.00002; gnomAD 0.00003; gnomAD exomes 0.00007.
gnomAD v4.1: 103 of 1,614,098 alleles (0.0064%); highest among the groups gnomAD compares: Non-Finnish European, 0.0081%; no homozygotes.

Submissions (2):

Labcorp Genetics (formerly Invitae), Labcorp
Classification: Uncertain significance for Cognitive impairment - coarse facies - heart defects - obesity - pulmonary involvement - short stature - skeletal dysplasia syndrome. Last evaluated: 2025-12-21. Review status: criteria provided, single submitter. Criteria: Invitae Variant Classification Sherloc (09022015). Collection method: clinical testing. Allele origin: germline.
Comment: This sequence change replaces glutamine, which is neutral and polar, with proline, which is neutral and non-polar, at codon 558 of the AFF4 protein (p.Gln558Pro). This variant is present in population databases (no rsID available, gnomAD 0.004%). This variant has not been reported in the literature in individuals affected with AFF4-related conditions. ClinVar contains an entry for this variant (Variation ID: 2914314). Invitae Evidence Modeling of protein sequence and biophysical properties (such as structural, functional, and spatial information, amino acid conservation, physicochemical variation, residue mobility, and thermodynamic stability) indicates that this missense variant is not expected to disrupt AFF4 protein function with a negative predictive value of 80%. In summary, the available evidence is currently insufficient to determine the role of this variant in disease. Therefore, it has been classified as a Variant of Uncertain Significance.

PreventionGenetics, part of Exact Sciences
Classification: Uncertain significance for AFF4-related condition. Last evaluated: 2024-03-22. Review status: no assertion criteria provided. Collection method: clinical testing. Allele origin: germline. Not counted in ClinVar's aggregate classification.
Comment: The AFF4 c.1673A>C variant is predicted to result in the amino acid substitution p.Gln558Pro. To our knowledge, this variant has not been reported in the literature. This variant is reported in 0.0040% of alleles in individuals of African descent in gnomAD. At this time, the clinical significance of this variant is uncertain due to the absence of conclusive functional and genetic evidence.

NM_014423.4(AFF4):c.1673A>C (p.Gln558Pro)

Gene: AFF4 (ALF transcription elongation factor 4; minus strand). Cytogenetic location: 5q31.1.
Variant type: single nucleotide variant.
Coding change: c.1673A>C on transcript NM_014423.4 (MANE Select); coding-DNA position 1673, A replaced by C.
Protein change: p.Gln558Pro; replaces glutamine 558 with proline.
Molecular consequence: missense variant.
Genome position (GRCh38, 1-based): chr5:132,896,957, T>G on the plus strand (A>C on the coding strand, the complement: AFF4 is on the minus strand). VCF-style: chr5-132896957-T-G. GRCh37 (hg19) VCF-style: chr5-132232649-T-G.
Other names: c.1673A>C (NM_014423.3); short protein forms Q558P.
Identifiers: ClinVar variation 2914314 (VCV002914314.4), dbSNP rs1047689591, ClinGen allele CA127273496.